The following is an entry in ClinVar:

NM_005026.5(PIK3CD):c.875C>T (p.Pro292Leu)

Gene: PIK3CD (phosphatidylinositol-4,5-bisphosphate 3-kinase catalytic subunit delta; plus strand). Cytogenetic location: 1p36.22.
Variant type: single nucleotide variant.
Coding change: c.875C>T on transcript NM_005026.5 (MANE Select); coding-DNA position 875, C replaced by T.
Protein change: p.Pro292Leu; replaces proline 292 with leucine.
Molecular consequence: missense variant.
Genome position (GRCh38, 1-based): chr1:9,717,053, C>T. VCF-style: chr1-9717053-C-T. GRCh37 (hg19) VCF-style: chr1-9777111-C-T.
Other names: c.875C>T, p.Pro292Leu (NM_001350234.2); c.788C>T, p.Pro263Leu (NM_001350235.1); short protein forms P263L, P292L.
Identifiers: ClinVar variation 1722079 (VCV001722079.6), dbSNP rs2524865438, ClinGen allele CA338301593.

ClinVar aggregate classification (germline): Uncertain significance (1 of 4 stars; one submission).

Conditions:
Immunodeficiency 14 (IMD14A). Also called: IMMUNODEFICIENCY 14A WITH LYMPHOPROLIFERATION, AUTOSOMAL DOMINANT; p110-DELTA-ACTIVATING MUTATION CAUSING SENESCENT T CELLS, LYMPHADENOPATHY, AND IMMUNODEFICIENCY; ACTIVATED PI3K-DELTA SYNDROME 1; Activated PI3K Delta Syndrome Type 1 (APDS1). Identifiers: Orphanet 397596, Orphanet 693661, MedGen C5907821, MONDO:0014222, OMIM 615513.

Submission:

Labcorp Genetics (formerly Invitae), Labcorp
Classification: Uncertain significance for Activated PI3K-delta syndrome. Last evaluated: 2022-10-23. Review status: criteria provided, single submitter. Criteria: Invitae Variant Classification Sherloc (09022015). Collection method: clinical testing. Allele origin: germline.
Comment: This variant has not been reported in the literature in individuals affected with PIK3CD-related conditions. This variant is not present in population databases (gnomAD no frequency). This sequence change replaces proline, which is neutral and non-polar, with leucine, which is neutral and non-polar, at codon 292 of the PIK3CD protein (p.Pro292Leu). Advanced modeling of protein sequence and biophysical properties (such as structural, functional, and spatial information, amino acid conservation, physicochemical variation, residue mobility, and thermodynamic stability) performed at Invitae indicates that this missense variant is not expected to disrupt PIK3CD protein function. In summary, the available evidence is currently insufficient to determine the role of this variant in disease. Therefore, it has been classified as a Variant of Uncertain Significance. Algorithms developed to predict the effect of sequence changes on RNA splicing suggest that this variant may create or strengthen a splice site.